The following is an entry in ClinVar:

ClinVar aggregate classification (germline): Likely pathogenic (1 of 4 stars; one submission).

Conditions:
Vici syndrome (VICIS). Identifiers: Orphanet 1493, MedGen C1855772, MONDO:0009452, OMIM 242840.

Submission:

Labcorp Genetics (formerly Invitae), Labcorp
Classification: Likely pathogenic for Vici syndrome. Last evaluated: 2023-04-07. Review status: criteria provided, single submitter. Criteria: Invitae Variant Classification Sherloc (09022015). Collection method: clinical testing. Allele origin: unknown.
Comment: In summary, the currently available evidence indicates that the variant is pathogenic, but additional data are needed to prove that conclusively. Therefore, this variant has been classified as Likely Pathogenic. This variant has not been reported in the literature in individuals affected with EPG5-related conditions. This variant results in the deletion of exon 29 and part of exon 30 (c.4952+804_5189del) of the EPG5 gene. It is expected to disrupt RNA splicing. Variants that disrupt the donor or acceptor splice site typically lead to a loss of protein function (PMID: 16199547), and loss-of-function variants in EPG5 are known to be pathogenic (PMID: 23222957, 23674064).

Literature cited by the submitters: PubMed 16199547; PubMed 23222957; PubMed 23674064.

NC_000018.9:g.(?_43464697)_(43468959_?)del

Gene: EPG5 (ectopic P-granules 5 autophagy tethering factor; minus strand). Cytogenetic location: 18q12.3.
Variant type: Deletion.
Identifiers: ClinVar variation 3242750 (VCV003242750.1).